The following is an entry in ClinVar:

ClinVar aggregate classification (germline): Uncertain significance. Review status: criteria provided, multiple submitters, no conflicts (2 of 4 stars). 2 submissions from 2 submitters: Uncertain significance (2). Last evaluated 2026-09-01.

Conditions:
Alstrom syndrome (ALMS). Identifiers: Orphanet 64, MedGen C0268425, MONDO:0008763, OMIM 203800.
ALMS1-related disorder. Also called: ALMS1-related condition.

Allele frequency attached by ClinVar (database versions not stated): gnomAD exomes below 0.00001.
gnomAD v4.1: 1 of 1,614,044 alleles (0.000062%); highest among the groups gnomAD compares: Non-Finnish European, 0.000085%; no homozygotes.

Submissions (2):

PreventionGenetics, part of Exact Sciences
Classification: Uncertain significance for ALMS1-related condition. Last evaluated: 2026-09-01. Review status: criteria provided, single submitter. Criteria: ACMG Guidelines, 2015. Collection method: clinical testing. Allele origin: germline.
Comment: The ALMS1 c.2986A>G variant is predicted to result in the amino acid substitution p.Thr996Ala. To our knowledge, this variant has not been reported in the literature. This variant is reported in 0.00089% of alleles in individuals of European (Non-Finnish) descent in gnomAD. At this time, the clinical significance of this variant is uncertain due to the absence of conclusive functional and genetic evidence.

Labcorp Genetics (formerly Invitae), Labcorp
Classification: Uncertain significance for Alstrom syndrome. Last evaluated: 2021-08-28. Review status: criteria provided, single submitter. Criteria: Invitae Variant Classification Sherloc (09022015). Collection method: clinical testing. Allele origin: germline.

NM_001378454.1(ALMS1):c.2983A>G (p.Thr995Ala)

Gene: ALMS1 (ALMS1 centrosome and basal body associated protein; plus strand). Cytogenetic location: 2p13.1.
Variant type: single nucleotide variant.
Coding change: c.2983A>G on transcript NM_001378454.1 (MANE Select); coding-DNA position 2983, A replaced by G.
Protein change: p.Thr995Ala; replaces threonine 995 with alanine.
Molecular consequence: missense variant.
Genome position (GRCh38, 1-based): chr2:73,449,510, A>G. VCF-style: chr2-73449510-A-G. GRCh37 (hg19) VCF-style: chr2-73676637-A-G.
Other names: c.2986A>G, p.Thr996Ala (NM_015120.4); short protein forms T996A, T995A.
Identifiers: ClinVar variation 570291 (VCV000570291.5), dbSNP rs776162820, ClinGen allele CA50392052.